The following is an entry in ClinVar:

ClinVar aggregate classification (germline): Uncertain significance (1 of 4 stars; one submission).

Submission:

GeneDx
Classification: Uncertain significance. Last evaluated: 2020-10-19. Review status: criteria provided, single submitter. Criteria: GeneDx Variant Classification Process June 2021. Collection method: clinical testing. Allele origin: germline. Affected: yes.
Comment: Has not been previously published as pathogenic or benign to our knowledge; Not observed in large population cohorts (Lek et al., 2016); In silico analysis supports a deleterious effect on splicing

NM_000093.5(COL5A1):c.1333-3C>G

Gene: COL5A1 (collagen type V alpha 1 chain; plus strand). Cytogenetic location: 9q34.3.
Variant type: single nucleotide variant.
Coding change: c.1333-3C>G on transcript NM_000093.5 (MANE Select); 3 bases into the intron before coding-DNA position 1333, C replaced by G.
Molecular consequence: intron variant.
Genome position (GRCh38, 1-based): chr9:134,732,068, C>G. VCF-style: chr9-134732068-C-G. GRCh37 (hg19) VCF-style: chr9-137623914-C-G.
Other names: c.1333-3C>G (NM_001278074.1).
Identifiers: ClinVar variation 1320517 (VCV001320517.2), dbSNP rs1238061655, ClinGen allele CA2573053135.
Genomic context (GRCh38, chr9:134,732,068, plus strand): 5'-TCTGGACTTTCTTTCTCACTTTTCTCTCTGATTCTCTTTCCATCTGCCTTTTATCACCCC[C>G]AGATTGGAGGACCTCGGGGCGAGAAAGGCCAAAAGGGAGAACCAGCGATTATCGAGCCGG-3'